The following is an entry in ClinVar:

NM_138576.4(BCL11B):c.824C>T (p.Ala275Val)

Gene: BCL11B (BCL11 transcription factor B; minus strand). Cytogenetic location: 14q32.2.
Variant type: single nucleotide variant.
Coding change: c.824C>T on transcript NM_138576.4 (MANE Select); coding-DNA position 824, C replaced by T.
Protein change: p.Ala275Val; replaces alanine 275 with valine.
Molecular consequence: missense variant.
Genome position (GRCh38, 1-based): chr14:99,176,012, G>A on the plus strand (C>T on the coding strand, the complement: BCL11B is on the minus strand). VCF-style: chr14-99176012-G-A. GRCh37 (hg19) VCF-style: chr14-99642349-G-A.
Other names: c.611C>T, p.Ala204Val (NM_022898.3); c.821C>T, p.Ala274Val (NM_001282237.2); c.608C>T, p.Ala203Val (NM_001282238.2); short protein forms A204V, A274V, A275V, A203V.
Identifiers: ClinVar variation 2136080 (VCV002136080.1), dbSNP rs1192807157, ClinGen allele CA390936696.

ClinVar aggregate classification (germline): Uncertain significance (1 of 4 stars; one submission).

Allele frequency attached by ClinVar (database versions not stated): gnomAD exomes below 0.00001.
gnomAD v4.1: 5 of 1,556,990 alleles (0.00032%); highest among the groups gnomAD compares: African/African-American, 0.0028%; no homozygotes.

Submission:

GeneDx
Classification: Uncertain significance. Last evaluated: 2023-01-18. Review status: criteria provided, single submitter. Criteria: GeneDx Variant Classification Process June 2021. Collection method: clinical testing. Allele origin: germline. Affected: yes.
Comment: In silico analysis supports that this missense variant does not alter protein structure/function; Has not been previously published as pathogenic or benign to our knowledge